The following is an entry in ClinVar:

ClinVar aggregate classification (germline): Uncertain significance (1 of 4 stars; one submission).

Conditions:
Hereditary cancer-predisposing syndrome. Also called: Tumor predisposition; Neoplastic Syndromes, Hereditary; Hereditary neoplastic syndrome; Hereditary Cancer Syndrome. Identifiers: Orphanet 140162, MedGen C0027672, MeSH D009386, MONDO:0015356.

Submission:

Ambry Genetics
Classification: Uncertain significance for Hereditary cancer-predisposing syndrome. Last evaluated: 2024-12-08. Review status: criteria provided, single submitter. Criteria: Ambry Variant Classification Scheme 2023. Collection method: clinical testing. Allele origin: germline.
Comment: The p.K595I variant (also known as c.1784A>T), located in coding exon 8 of the BARD1 gene, results from an A to T substitution at nucleotide position 1784. The lysine at codon 595 is replaced by isoleucine, an amino acid with dissimilar properties. This amino acid position is conserved. In addition, the in silico prediction for this alteration is inconclusive. Based on the available evidence, the clinical significance of this variant remains unclear.

NM_000465.4(BARD1):c.1784A>T (p.Lys595Ile)

Gene: BARD1 (BRCA1 associated RING domain 1; minus strand). Cytogenetic location: 2q35.
Variant type: single nucleotide variant.
Coding change: c.1784A>T on transcript NM_000465.4 (MANE Select); coding-DNA position 1784, A replaced by T.
Protein change: p.Lys595Ile; replaces lysine 595 with isoleucine.
Molecular consequence: missense variant. On other transcripts: non-coding transcript variant (3), intron variant (1).
Genome position (GRCh38, 1-based): chr2:214,745,748, T>A on the plus strand (A>T on the coding strand, the complement: BARD1 is on the minus strand). VCF-style: chr2-214745748-T-A. GRCh37 (hg19) VCF-style: chr2-215610472-T-A.
Other names: c.1727A>T, p.Lys576Ile (NM_001282543.2); c.431A>T, p.Lys144Ile (NM_001282545.2); c.374A>T, p.Lys125Ile (NM_001282548.2); c.365-15240A>T (NM_001282549.2); short protein forms K125I, K144I, K576I, K595I.
Identifiers: ClinVar variation 3479748 (VCV003479748.1).